The following is an entry in ClinVar:

NM_153700.2(STRC):c.3710G>A (p.Arg1237Gln)

Gene: STRC (stereocilin; minus strand). Cytogenetic location: 15q15.3.
Variant type: single nucleotide variant.
Coding change: c.3710G>A on transcript NM_153700.2 (MANE Select); coding-DNA position 3710, G replaced by A.
Protein change: p.Arg1237Gln; replaces arginine 1237 with glutamine.
Molecular consequence: missense variant.
Genome position (GRCh38, 1-based): chr15:43,607,947, C>T on the plus strand (G>A on the coding strand, the complement: STRC is on the minus strand). VCF-style: chr15-43607947-C-T. GRCh37 (hg19) VCF-style: chr15-43900145-C-T.
Other names: short protein forms R1237Q.
Identifiers: ClinVar variation 2399311 (VCV002399311.4), dbSNP rs768089946, ClinGen allele CA7528247.

ClinVar aggregate classification (germline): Uncertain significance. Review status: criteria provided, multiple submitters, no conflicts (2 of 4 stars). 2 submissions from 2 submitters: Uncertain significance (2). Last evaluated 2025-05-03.

Conditions:
Inborn genetic diseases. Identifiers: MedGen C0950123, MeSH D030342.
STRC-related disorder. Also called: STRC-related condition.

Allele frequency attached by ClinVar (database versions not stated): TOPMed 0.00003; gnomAD 0.00005; gnomAD exomes 0.00007; ExAC 0.00012.
gnomAD v4.1: 110 of 1,609,118 alleles (0.0068%); highest among the groups gnomAD compares: South Asian, 0.076%; 5 homozygotes.

Submissions (2):

PreventionGenetics, part of Exact Sciences
Classification: Uncertain significance for STRC-related condition. Last evaluated: 2025-05-03. Review status: criteria provided, single submitter. Criteria: ACMG Guidelines, 2015. Collection method: clinical testing. Allele origin: germline.
Comment: The STRC c.3710G>A variant is predicted to result in the amino acid substitution p.Arg1237Gln. To our knowledge, this variant has not been reported in the literature. This variant is reported in 0.082% of alleles in individuals of South Asian descent in gnomAD. At this time, the clinical significance of this variant is uncertain due to the absence of conclusive functional and genetic evidence.

Ambry Genetics
Classification: Uncertain significance for Inborn genetic diseases. Last evaluated: 2025-04-01. Review status: criteria provided, single submitter. Criteria: Ambry Variant Classification Scheme 2023. Collection method: clinical testing. Allele origin: germline.